The following is an entry in ClinVar:

NM_019594.4(LRRC8A):c.1406C>T (p.Thr469Met)

Gene: LRRC8A (leucine rich repeat containing 8 VRAC subunit A; plus strand). Cytogenetic location: 9q34.11.
Variant type: single nucleotide variant.
Coding change: c.1406C>T on transcript NM_019594.4 (MANE Select); coding-DNA position 1406, C replaced by T.
Protein change: p.Thr469Met; replaces threonine 469 with methionine.
Molecular consequence: missense variant.
Genome position (GRCh38, 1-based): chr9:128,908,570, C>T. VCF-style: chr9-128908570-C-T. GRCh37 (hg19) VCF-style: chr9-131670849-C-T.
Other names: c.1406C>T (NM_001127244.1, NM_019594.3); c.1406C>T, p.Thr469Met (NM_001127244.2, NM_001127245.2); short protein forms T469M.
Identifiers: ClinVar variation 1422401 (VCV001422401.9), dbSNP rs530372793, ClinGen allele CA5270873.

ClinVar aggregate classification (germline): Uncertain significance. Review status: criteria provided, multiple submitters, no conflicts (2 of 4 stars). 3 submissions from 3 submitters: Uncertain significance (3). Last evaluated 2025-12-04.

Conditions:
LRRC8A-related disorder. Also called: LRRC8A-related condition.

Allele frequency attached by ClinVar (database versions not stated): ExAC 0.00001; gnomAD exomes 0.00001; gnomAD 0.00004; TOPMed 0.00007; 1000 Genomes Project 30x 0.00016; 1000 Genomes Project 0.00020.
gnomAD v4.1: 22 of 1,612,768 alleles (0.0014%); highest among the groups gnomAD compares: Admixed American, 0.0033%; no homozygotes.

Submissions (3):

Ambry Genetics
Classification: Uncertain significance. Last evaluated: 2025-12-04. Review status: criteria provided, single submitter. Criteria: Ambry Variant Classification Scheme 2023. Collection method: clinical testing. Allele origin: germline.

Labcorp Genetics (formerly Invitae), Labcorp
Classification: Uncertain significance. Last evaluated: 2024-07-23. Review status: criteria provided, single submitter. Criteria: Invitae Variant Classification Sherloc (09022015). Collection method: clinical testing. Allele origin: germline.
Comment: This sequence change replaces threonine, which is neutral and polar, with methionine, which is neutral and non-polar, at codon 469 of the LRRC8A protein (p.Thr469Met). This variant is present in population databases (rs530372793, gnomAD 0.003%). This variant has not been reported in the literature in individuals affected with LRRC8A-related conditions. ClinVar contains an entry for this variant (Variation ID: 1422401). An algorithm developed to predict the effect of missense changes on protein structure and function (PolyPhen-2) suggests that this variant is likely to be tolerated. In summary, the available evidence is currently insufficient to determine the role of this variant in disease. Therefore, it has been classified as a Variant of Uncertain Significance.

PreventionGenetics, part of Exact Sciences
Classification: Uncertain significance for LRRC8A-related condition. Last evaluated: 2022-12-22. Review status: criteria provided, single submitter. Criteria: ACMG Guidelines, 2015. Collection method: clinical testing. Allele origin: germline.
Comment: The LRRC8A c.1406C>T variant is predicted to result in the amino acid substitution p.Thr469Met. To our knowledge, this variant has not been reported in the literature. This variant is reported in 0.0029% of alleles in individuals of Latino descent in gnomAD. At this time, the clinical significance of this variant is uncertain due to the absence of conclusive functional and genetic evidence.